The following is an entry in ClinVar:

ClinVar aggregate classification (germline): Uncertain significance (1 of 4 stars; one submission).

Conditions:
Polyhydramnios, megalencephaly, and symptomatic epilepsy (PMSE). Also called: PMSE SYNDROME. Identifiers: Orphanet 500533, MedGen C1970203, MONDO:0012611, OMIM 611087.

Submission:

Labcorp Genetics (formerly Invitae), Labcorp
Classification: Uncertain significance for Polyhydramnios, megalencephaly, and symptomatic epilepsy. Last evaluated: 2022-09-27. Review status: criteria provided, single submitter. Criteria: Invitae Variant Classification Sherloc (09022015). Collection method: clinical testing. Allele origin: germline.
Comment: This sequence change replaces asparagine, which is neutral and polar, with serine, which is neutral and polar, at codon 129 of the STRADA protein (p.Asn129Ser). In summary, the available evidence is currently insufficient to determine the role of this variant in disease. Therefore, it has been classified as a Variant of Uncertain Significance. Algorithms developed to predict the effect of missense changes on protein structure and function (SIFT, PolyPhen-2, Align-GVGD) all suggest that this variant is likely to be tolerated. This variant has not been reported in the literature in individuals affected with STRADA-related conditions. This variant is not present in population databases (gnomAD no frequency).

NM_001003787.4(STRADA):c.386A>G (p.Asn129Ser)

Gene: STRADA (STE20 related adaptor alpha; minus strand). Cytogenetic location: 17q23.3.
Variant type: single nucleotide variant.
Coding change: c.386A>G on transcript NM_001003787.4 (MANE Select); coding-DNA position 386, A replaced by G.
Protein change: p.Asn129Ser; replaces asparagine 129 with serine.
Molecular consequence: missense variant. On other transcripts: non-coding transcript variant (1).
Genome position (GRCh38, 1-based): chr17:63,710,799, T>C on the plus strand (A>G on the coding strand, the complement: STRADA is on the minus strand). VCF-style: chr17-63710799-T-C. GRCh37 (hg19) VCF-style: chr17-61788159-T-C.
Other names: c.275A>G, p.Asn92Ser (NM_001003786.3, NM_001363789.1, NM_153335.6); c.212A>G, p.Asn71Ser (NM_001003788.3, NM_001363790.1, NM_001363791.1); c.299A>G, p.Asn100Ser (NM_001165969.2, NM_001363787.1, NM_001411084.1); c.254A>G, p.Asn85Ser (NM_001165970.2); c.362A>G, p.Asn121Ser (NM_001363786.1); c.386A>G, p.Asn129Ser (NM_001363788.1, NM_001411083.1, NM_001411085.1); short protein forms N100S, N85S, N92S, N121S, N71S, N129S.
Identifiers: ClinVar variation 2003311 (VCV002003311.4), dbSNP rs2511103648, ClinGen allele CA400593106.